The following is an entry in ClinVar:

NM_001081.4(CUBN):c.8765G>A (p.Ser2922Asn)

Gene: CUBN (cubilin; minus strand). Cytogenetic location: 10p13.
Variant type: single nucleotide variant.
Coding change: c.8765G>A on transcript NM_001081.4 (MANE Select); coding-DNA position 8765, G replaced by A.
Protein change: p.Ser2922Asn; replaces serine 2922 with asparagine.
Molecular consequence: missense variant.
Genome position (GRCh38, 1-based): chr10:16,888,557, C>T on the plus strand (G>A on the coding strand, the complement: CUBN is on the minus strand). VCF-style: chr10-16888557-C-T. GRCh37 (hg19) VCF-style: chr10-16930556-C-T.
Other names: short protein forms S2922N.
Identifiers: ClinVar variation 1319047 (VCV001319047.6), dbSNP rs777692110, ClinGen allele CA5422905.

ClinVar aggregate classification (germline): Uncertain significance. Review status: criteria provided, multiple submitters, no conflicts (2 of 4 stars). 3 submissions from 3 submitters: Uncertain significance (3). Last evaluated 2024-11-20.

Conditions:
Proteinuria, chronic benign. Identifiers: MedGen C5394384, MONDO:0030042, OMIM 618884.
Imerslund-Grasbeck syndrome type 1 (IGS1). Also called: Megaloblastic anemia 1, Finnish type; MEGALOBLASTIC ANEMIA, 1; Imerslund-Gräsbeck syndrome 1. Identifiers: MedGen C4016819, MONDO:0100156, OMIM 261100.
Inborn genetic diseases. Identifiers: MedGen C0950123, MeSH D030342.

Allele frequency attached by ClinVar (database versions not stated): gnomAD 0.00007 and 0.00008; gnomAD exomes 0.00008 and 0.00007; TOPMed 0.00006; ExAC 0.00009.
gnomAD v4.1: 111 of 1,613,408 alleles (0.0069%); highest among the groups gnomAD compares: Admixed American, 0.013%; 1 homozygote.

Submissions (3):

GeneDx
Classification: Uncertain significance. Last evaluated: 2024-11-20. Review status: criteria provided, single submitter. Criteria: GeneDx Variant Classification Process June 2021. Collection method: clinical testing. Allele origin: germline. Affected: yes.
Comment: In silico analysis indicates that this missense variant does not alter protein structure/function; Has not been previously published as pathogenic or benign to our knowledge

Fulgent Genetics
Classification: Uncertain significance for Imerslund-Grasbeck syndrome type 1; Proteinuria, chronic benign. Last evaluated: 2024-01-05. Review status: criteria provided, single submitter. Criteria: ACMG Guidelines, 2015. Collection method: clinical testing. Allele origin: germline.

Ambry Genetics
Classification: Uncertain significance for Inborn genetic diseases. Last evaluated: 2022-01-05. Review status: criteria provided, single submitter. Criteria: Ambry Variant Classification Scheme 2023. Collection method: clinical testing. Allele origin: germline.